The following is an entry in ClinVar:

NM_004329.3(BMPR1A):c.818G>A (p.Arg273Gln)

Gene: BMPR1A (bone morphogenetic protein receptor type 1A; plus strand). Cytogenetic location: 10q23.2.
Variant type: single nucleotide variant.
Coding change: c.818G>A on transcript NM_004329.3 (MANE Select); coding-DNA position 818, G replaced by A.
Protein change: p.Arg273Gln; replaces arginine 273 with glutamine.
Molecular consequence: missense variant.
Genome position (GRCh38, 1-based): chr10:86,917,276, G>A. VCF-style: chr10-86917276-G-A. GRCh37 (hg19) VCF-style: chr10-88677033-G-A.
Other names: short protein forms R273Q.
Identifiers: ClinVar variation 645516 (VCV000645516.19), dbSNP rs762178061, ClinGen allele CA5585611.
Genomic context (GRCh38, chr10:86,917,276, plus strand): 5'-GGCGTGGCGAAAAAGTGGCGGTGAAAGTATTCTTTACCACTGAAGAAGCCAGCTGGTTTC[G>A]AGAAACAGAAATCTACCAAACTGTGCTAATGCGCCATGAAAACATACTTGGTGGGTACAC-3'
Protein context (NP_004320.2, residues 263-283): FFTTEEASWF[Arg273Gln]ETEIYQTVLM

ClinVar aggregate classification (germline): Conflicting classifications of pathogenicity. Review status: criteria provided, conflicting classifications (1 of 4 stars). 4 submissions from 4 submitters: Uncertain significance (3); Benign (1). Last evaluated 2025-12-24.

Conditions:
Hereditary cancer-predisposing syndrome. Also called: Neoplastic Syndromes, Hereditary; Hereditary Cancer Syndrome; Hereditary neoplastic syndrome; Tumor predisposition. Identifiers: Orphanet 140162, MedGen C0027672, MeSH D009386, MONDO:0015356.
Juvenile polyposis syndrome (JPS). Identifiers: Orphanet 2929, MedGen C0345893, MONDO:0017380, OMIM 174900.

Allele frequency attached by ClinVar (database versions not stated): ExAC 0.00001; gnomAD exomes 0.00001; TOPMed 0.00001.
gnomAD v4.1: 4 of 1,614,064 alleles (0.00025%); highest among the groups gnomAD compares: Admixed American, 0.0033%; no homozygotes.

Submissions (4):

Labcorp Genetics (formerly Invitae), Labcorp
Classification: Uncertain significance for Juvenile polyposis syndrome. Last evaluated: 2025-12-24. Review status: criteria provided, single submitter. Criteria: Invitae Variant Classification Sherloc (09022015). Collection method: clinical testing. Allele origin: germline.
Comment: This sequence change replaces arginine, which is basic and polar, with glutamine, which is neutral and polar, at codon 273 of the BMPR1A protein (p.Arg273Gln). This variant is present in population databases (rs762178061, gnomAD 0.006%). This variant has not been reported in the literature in individuals affected with BMPR1A-related conditions. ClinVar contains an entry for this variant (Variation ID: 645516). Invitae Evidence Modeling of protein sequence and biophysical properties (such as structural, functional, and spatial information, amino acid conservation, physicochemical variation, residue mobility, and thermodynamic stability) indicates that this missense variant is not expected to disrupt BMPR1A protein function with a negative predictive value of 80%. In summary, the available evidence is currently insufficient to determine the role of this variant in disease. Therefore, it has been classified as a Variant of Uncertain Significance.

Color Diagnostics, LLC DBA Color Health
Classification: Uncertain significance for Hereditary cancer-predisposing syndrome. Last evaluated: 2024-11-13. Review status: criteria provided, single submitter. Criteria: ACMG Guidelines, 2015. Collection method: clinical testing. Allele origin: germline.
Comment: This missense variant replaces arginine with glutamine at codon 273 of the BMPR1A protein. Computational prediction suggests that this variant may have deleterious impact on protein structure and function. To our knowledge, functional studies have not been reported for this variant. This variant has not been reported in individuals affected with BMPR1A-related disorders in the literature. This variant has been identified in 2/251314 chromosomes in the general population by the Genome Aggregation Database (gnomAD). The available evidence is insufficient to determine the role of this variant in disease conclusively. Therefore, this variant is classified as a Variant of Uncertain Significance.

Ambry Genetics
Classification: Benign for Hereditary cancer-predisposing syndrome. Last evaluated: 2023-12-21. Review status: criteria provided, single submitter. Criteria: Ambry Variant Classification Scheme 2023. Collection method: clinical testing. Allele origin: germline.

Quest Diagnostics Nichols Institute San Juan Capistrano
Classification: Uncertain significance. Last evaluated: 2020-10-09. Review status: criteria provided, single submitter. Criteria: Quest Diagnostics criteria. Collection method: clinical testing. Allele origin: unknown.